The following is an entry in ClinVar:

NM_138711.6(PPARG):c.1119T>C (p.Asn373=)

Gene: PPARG (peroxisome proliferator activated receptor gamma; plus strand). Cytogenetic location: 3p25.2.
Variant type: single nucleotide variant.
Coding change: c.1119T>C on transcript NM_138711.6 (MANE Select); coding-DNA position 1119, T replaced by C.
Protein change: p.Asn373=; no amino-acid change (asparagine 373 retained).
Molecular consequence: synonymous variant. On other transcripts: intron variant (5).
Genome position (GRCh38, 1-based): chr3:12,417,093, T>C. VCF-style: chr3-12417093-T-C. GRCh37 (hg19) VCF-style: chr3-12458592-T-C.
Other names: c.1119T>C, p.Asn373= (NM_001354666.3, NM_001354667.3, NM_001374263.2 and 3 more transcripts); c.492T>C, p.Asn164= (NM_001354669.2); c.1209T>C, p.Asn403= (NM_015869.5); c.729+11012T>C (NM_001374261.3, NM_001374262.3, NM_001330615.4); c.653+11094T>C (NM_001374266.1); c.819+11012T>C (NM_001374265.1).
Identifiers: ClinVar variation 4983941 (VCV004983941.1).
Genomic context (GRCh38, chr3:12,417,093, plus strand): 5'-CCTGCGAAAGCCTTTTGGTGACTTTATGGAGCCCAAGTTTGAGTTTGCTGTGAAGTTCAA[T>C]GCACTGGAATTAGATGACAGCGACTTGGCAATATTTATTGCTGTCATTATTCTCAGTGGA-3'
Protein context (NP_619725.3, residues 363-383): EPKFEFAVKF[Asn373=]ALELDDSDLA

ClinVar aggregate classification (germline): Likely benign (1 of 4 stars; one submission).

Conditions:
PPARG-related disorder. Also called: PPARG-related disorders; PPARG-related condition.

Submission:

PreventionGenetics, part of Exact Sciences
Classification: Likely benign for PPARG-related condition. Last evaluated: 2025-03-20. Review status: criteria provided, single submitter. Criteria: ACMG Guidelines, 2015. Collection method: clinical testing. Allele origin: germline.
Comment: This variant is classified as likely benign based on ACMG/AMP sequence variant interpretation guidelines (Richards et al. 2015 PMID: 25741868, with internal and published modifications).